The following is an entry in ClinVar:

ClinVar aggregate classification (germline): Likely benign (1 of 4 stars; one submission).

Submission:

CeGaT Center for Human Genetics Tuebingen
Classification: Likely benign. Last evaluated: 2025-03-01. Review status: criteria provided, single submitter. Criteria: CeGaT Center For Human Genetics Tuebingen Variant Classification Criteria Version 2. Collection method: clinical testing. Allele origin: germline. Affected: yes. Observed: 4 variant alleles.
Comment: KIR3DL1: BS2

NM_013289.4(KIR3DL1):c.487del (p.Asp163fs)

Gene: KIR3DL1 (killer cell immunoglobulin like receptor, three Ig domains and long cytoplasmic tail 1). Cytogenetic location: 19q13.42.
Variant type: Deletion.
Coding change: c.487del on transcript NM_013289.4 (MANE Select); coding-DNA position 487, one base deleted.
Protein change: p.Asp163fs; shifts the reading frame from aspartic acid 163.
Molecular consequence: frameshift variant.
Genome position: GRCh38 VCF-style: chr19-54819842-AG-A. GRCh37 (hg19) VCF-style: chr19-55331297-AG-A.
Other names: short protein forms D163fs.
Identifiers: ClinVar variation 2650483 (VCV002650483.24), dbSNP rs777544872, ClinGen allele CA309916474.